The following is an entry in ClinVar:

ClinVar aggregate classification (germline): Pathogenic (1 of 4 stars; one submission).

Conditions:
Familial hemiplegic migraine. Identifiers: MedGen C0338484, MONDO:0000700.

Submission:

Labcorp Genetics (formerly Invitae), Labcorp
Classification: Pathogenic for Familial hemiplegic migraine. Last evaluated: 2025-07-07. Review status: criteria provided, single submitter. Criteria: Invitae Variant Classification Sherloc (09022015). Collection method: clinical testing. Allele origin: germline.
Comment: This sequence change replaces aspartic acid, which is acidic and polar, with histidine, which is basic and polar, at codon 812 of the ATP1A2 protein (p.Asp812His). This variant is not present in population databases (gnomAD no frequency). This missense change has been observed in individual(s) with ATP1A2-related disorder (internal data). In at least one individual the variant was observed to be de novo. ClinVar contains an entry for this variant (Variation ID: 572285). Invitae Evidence Modeling of protein sequence and biophysical properties (such as structural, functional, and spatial information, amino acid conservation, physicochemical variation, residue mobility, and thermodynamic stability) indicates that this missense variant is expected to disrupt ATP1A2 protein function with a positive predictive value of 80%. For these reasons, this variant has been classified as Pathogenic.

NM_000702.4(ATP1A2):c.2434G>C (p.Asp812His)

Gene: ATP1A2 (ATPase Na+/K+ transporting subunit alpha 2; plus strand). Cytogenetic location: 1q23.2.
Variant type: single nucleotide variant.
Coding change: c.2434G>C on transcript NM_000702.4 (MANE Select); coding-DNA position 2434, G replaced by C.
Protein change: p.Asp812His; replaces aspartic acid 812 with histidine.
Molecular consequence: missense variant.
Genome position (GRCh38, 1-based): chr1:160,135,988, G>C. VCF-style: chr1-160135988-G-C. GRCh37 (hg19) VCF-style: chr1-160105778-G-C.
Other names: short protein forms D812H.
Identifiers: ClinVar variation 572285 (VCV000572285.10), dbSNP rs1558008759, ClinGen allele CA343250923.
Genomic context (GRCh38, chr1:160,135,988, plus strand): 5'-ATTGCCAACATCCCCCTACCTCTGGGCACTGTGACCATCCTTTGCATTGACCTGGGCACA[G>C]ATATGGTGAGCGCAGGAGGTGGAGGAGGGGACAGGCAAGGCAATCGTGATGGCACAGTGG-3'
Protein context (NP_000693.1, residues 802-822): VTILCIDLGT[Asp812His]MVPAISLAYE